The following is an entry in ClinVar:

NM_001145809.2(MYH14):c.3598dup (p.Arg1200fs)

Gene: MYH14 (myosin heavy chain 14; plus strand). Cytogenetic location: 19q13.33.
Variant type: Duplication.
Coding change: c.3598dup on transcript NM_001145809.2 (MANE Select); coding-DNA position 3598, one base duplicated (C; older notation c.3598dupC).
Protein change: p.Arg1200fs; shifts the reading frame from arginine 1200.
Molecular consequence: frameshift variant.
Genome position (GRCh38, 1-based): chr19:50,276,121, C duplicated; the last of 2 consecutive C bases (chr19:50,276,120-50,276,121); duplicating either gives the same sequence. VCF-style (leftmost placement, unchanged base first): chr19-50276119-G-GC. GRCh37 (hg19) VCF-style: chr19-50779376-G-GC.
Other names: c.3499dup, p.Arg1167fs (NM_001077186.2); c.3475dup, p.Arg1159fs (NM_024729.4); short protein forms R1167fs, R1200fs, R1159fs.
Identifiers: ClinVar variation 2117681 (VCV002117681.4), dbSNP rs2514421809, ClinGen allele CA2580097590.
Genomic context (GRCh38, chr19:50,276,119, plus strand): 5'-CCGAGGCCCAGGAGGACCTGGAGTCTGAGCGTGTGGCCAGGACCAAGGCGGAGAAGCAGC[G>GC]CCGGGACCTGGGCGAGGAGCTGGAGGCGCTGCGGGGCGAGCTGGAGGACACGCTGGACTC-3'

ClinVar aggregate classification (germline): Pathogenic (1 of 4 stars; one submission).

Submission:

Labcorp Genetics (formerly Invitae), Labcorp
Classification: Pathogenic. Last evaluated: 2022-10-23. Review status: criteria provided, single submitter. Criteria: Invitae Variant Classification Sherloc (09022015). Collection method: clinical testing. Allele origin: germline.
Comment: This sequence change creates a premature translational stop signal (p.Arg1159Profs*110) in the MYH14 gene. It is expected to result in an absent or disrupted protein product. Loss-of-function variants in MYH14 are known to be pathogenic (PMID: 15015131, 28221712). This variant is not present in population databases (gnomAD no frequency). This variant has not been reported in the literature in individuals affected with MYH14-related conditions. For these reasons, this variant has been classified as Pathogenic.

Literature cited by the submitters: PubMed 15015131; PubMed 28221712.